The following is an entry in ClinVar:

NM_198904.4(GABRG2):c.1136G>T (p.Arg379Leu)

Gene: GABRG2 (gamma-aminobutyric acid type A receptor subunit gamma2; plus strand). Cytogenetic location: 5q34.
Variant type: single nucleotide variant.
Coding change: c.1136G>T on transcript NM_198904.4 (MANE Select); coding-DNA position 1136, G replaced by T.
Protein change: p.Arg379Leu; replaces arginine 379 with leucine.
Molecular consequence: missense variant. On other transcripts: intron variant (6), synonymous variant (1).
Genome position (GRCh38, 1-based): chr5:162,151,737, G>T. VCF-style: chr5-162151737-G-T. GRCh37 (hg19) VCF-style: chr5-161578743-G-T.
Other names: c.716G>T, p.Arg239Leu (NM_001375350.1); c.1256G>T, p.Arg419Leu (NM_198903.2); c.844-1356G>T (NM_001375349.1); c.1249-1356G>T (NM_001375343.1); c.1126-1356G>T (NM_001375342.1); c.709-1356G>T (NM_001375348.1); c.1063-1356G>T (NM_001375345.1); c.1129-1356G>T (NM_000816.3); and 6 more; short protein forms R239L, R350L, R357L, R376L, R378L, R379L, R392L, R419L.
Identifiers: ClinVar variation 4881065 (VCV004881065.2).

ClinVar aggregate classification (germline): Uncertain significance (1 of 4 stars; one submission).

Submission:

Dasa
Classification: Uncertain significance. Last evaluated: 2026-04-09. Review status: criteria provided, single submitter. Criteria: DASA Assertion Criteria. Collection method: clinical testing. Allele origin: germline.
Comment: NM_198904.4(GABRG2):c.1136G>T (p.Arg379Leu) is a missense variant that results in the substitution of arginine with leucine. This variant is rare in population databases. The currently available literature and clinical evidence are not sufficient to establish a definitive association between this variant and the reported condition. Therefore, this variant is classified as a variant of uncertain significance.